The following is an entry in ClinVar:

ClinVar aggregate classification (germline): Benign. Review status: criteria provided, single submitter (1 of 4 stars). 2 submissions from 2 submitters: Benign (1). 1 of the submissions does not count toward it. Last evaluated 2018-02-01.

Conditions:
NOS3-related disorder. Also called: NOS3-related condition.

Allele frequency attached by ClinVar (database versions not stated): ExAC 0.00031; gnomAD exomes 0.00031; ESP Exome Variant Server 0.00077; 1000 Genomes Project 30x 0.00094; 1000 Genomes Project 0.00100; gnomAD 0.00121; TOPMed 0.00147.
gnomAD v4.1: 322 of 1,609,382 alleles (0.02%); highest among the groups gnomAD compares: African/African-American, 0.4%; 1 homozygote.

Submissions (2):

Labcorp Genetics (formerly Invitae), Labcorp
Classification: Benign. Last evaluated: 2018-02-01. Review status: criteria provided, single submitter. Criteria: Invitae Variant Classification Sherloc (09022015). Collection method: clinical testing. Allele origin: germline.

PreventionGenetics, part of Exact Sciences
Classification: Benign for NOS3-related condition. Last evaluated: 2023-12-06. Review status: no assertion criteria provided. Collection method: clinical testing. Allele origin: germline. Not counted in ClinVar's aggregate classification.
Comment: This variant is classified as benign based on ACMG/AMP sequence variant interpretation guidelines (Richards et al. 2015 PMID: 25741868, with internal and published modifications).

NM_000603.5(NOS3):c.957-7C>T

Gene: NOS3 (nitric oxide synthase 3; plus strand). Cytogenetic location: 7q36.1.
Variant type: single nucleotide variant.
Coding change: c.957-7C>T on transcript NM_000603.5 (MANE Select); 7 bases into the intron before coding-DNA position 957, C replaced by T.
Molecular consequence: intron variant.
Genome position (GRCh38, 1-based): chr7:150,999,183, C>T. VCF-style: chr7-150999183-C-T. GRCh37 (hg19) VCF-style: chr7-150696271-C-T.
Other names: c.957-7C>T (NM_001160109.2, NM_001160111.1, NM_001160110.1).
Identifiers: ClinVar variation 734819 (VCV000734819.5), dbSNP rs149255032, ClinGen allele CA4566830.
Genomic context (GRCh38, chr7:150,999,183, plus strand): 5'-GGCCATCCCTGAGCCTCTCAAGAAGGGCCTGCAAGGGGGTGCTGATCCCACACCCCAACA[C>T]CCCCAGGCTGGAGTGGTTTGCAGCCCTGGGCCTGCGCTGGTACGCCCTCCCGGCAGTGTC-3'